The following is an entry in ClinVar:

NM_001105206.3(LAMA4):c.4291G>T (p.Gly1431Trp)

Gene: LAMA4 (laminin subunit alpha 4; minus strand). Cytogenetic location: 6q21.
Variant type: single nucleotide variant.
Coding change: c.4291G>T on transcript NM_001105206.3 (MANE Select); coding-DNA position 4291, G replaced by T.
Protein change: p.Gly1431Trp; replaces glycine 1431 with tryptophan.
Molecular consequence: missense variant.
Genome position (GRCh38, 1-based): chr6:112,122,198, C>A on the plus strand (G>T on the coding strand, the complement: LAMA4 is on the minus strand). VCF-style: chr6-112122198-C-A. GRCh37 (hg19) VCF-style: chr6-112443401-C-A.
Other names: c.4270G>T, p.Gly1424Trp (NM_001105207.3, NM_002290.5); short protein forms G1424W, G1431W.
Identifiers: ClinVar variation 967256 (VCV000967256.9), dbSNP rs1778403306, ClinGen allele CA365371323.

ClinVar aggregate classification (germline): Uncertain significance (1 of 4 stars; one submission).

Conditions:
Dilated cardiomyopathy 1JJ (CMD1JJ). Identifiers: Orphanet 154, MedGen C3808935, MONDO:0014095, OMIM 615235.

Submission:

Labcorp Genetics (formerly Invitae), Labcorp
Classification: Uncertain significance for Dilated cardiomyopathy 1JJ. Last evaluated: 2019-11-12. Review status: criteria provided, single submitter. Criteria: Invitae Variant Classification Sherloc (09022015). Collection method: clinical testing. Allele origin: germline.
Comment: In summary, the available evidence is currently insufficient to determine the role of this variant in disease. Therefore, it has been classified as a Variant of Uncertain Significance. Algorithms developed to predict the effect of missense changes on protein structure and function are either unavailable or do not agree on the potential impact of this missense change (SIFT: "Deleterious"; PolyPhen-2: "Possibly Damaging"; Align-GVGD: "Class C0"). This variant has not been reported in the literature in individuals with LAMA4-related conditions. This variant is not present in population databases (ExAC no frequency). This sequence change replaces glycine with tryptophan at codon 1424 of the LAMA4 protein (p.Gly1424Trp). The glycine residue is moderately conserved and there is a large physicochemical difference between glycine and tryptophan.